The following is an entry in ClinVar:

NM_000719.7(CACNA1C):c.5162C>T (p.Thr1721Ile)

Genes: CACNA1C-AS1 (CACNA1C antisense RNA 1; minus strand), CACNA1C (calcium voltage-gated channel subunit alpha1 C; plus strand). Cytogenetic location: 12p13.33.
Variant type: single nucleotide variant.
Coding change: c.5162C>T on transcript NM_000719.7 (MANE Select); coding-DNA position 5162, C replaced by T.
Protein change: p.Thr1721Ile; replaces threonine 1721 with isoleucine.
Molecular consequence: missense variant.
Genome position (GRCh38, 1-based): chr12:2,679,514, C>T. VCF-style: chr12-2679514-C-T. GRCh37 (hg19) VCF-style: chr12-2788680-C-T.
Other names: c.5306C>T, p.Thr1769Ile (NM_001129827.2, NM_199460.4); c.5285C>T, p.Thr1762Ile (NM_001129829.2); c.5162C>T, p.Thr1721Ile (NM_001129830.3, NM_001129840.2, NM_001129841.2 and 4 more transcripts); c.5246C>T, p.Thr1749Ile (NM_001129831.2); c.5222C>T, p.Thr1741Ile (NM_001129832.2); c.5219C>T, p.Thr1740Ile (NM_001129833.2, NM_001129834.2, NM_001129835.2); c.5213C>T, p.Thr1738Ile (NM_001129836.2); c.5186C>T, p.Thr1729Ile (NM_001129837.2, NM_001129838.2); and 3 more; short protein forms T1718I, T1727I, T1721I, T1738I, T1740I, T1762I, T1729I, T1749I.
Identifiers: ClinVar variation 2193485 (VCV002193485.4), dbSNP rs554737427, ClinGen allele CA383378628.
Genomic context (GRCh38, chr12:2,679,514, plus strand): 5'-GCCTGTTCGGCAACCACGTCAGCTACTACCAAAGCGACGGCCGGAGCGCCTTCCCCCAGA[C>T]CTTCACCACTCAGCGCCCGCTGCACATCAACAAGGCGGGCAGCAGCCAGGGCGACACTGA-3'
Protein context (NP_000710.5, residues 1711-1731): QSDGRSAFPQ[Thr1721Ile]FTTQRPLHIN

ClinVar aggregate classification (germline): Uncertain significance (1 of 4 stars; one submission).

Conditions:
Long QT syndrome (LQTS). Identifiers: MedGen C0023976, MeSH D008133, MONDO:0002442. Disease mechanism: loss of function. Inheritance: Various modes of inheritance.

Submission:

Labcorp Genetics (formerly Invitae), Labcorp
Classification: Uncertain significance for Long QT syndrome. Last evaluated: 2024-10-18. Review status: criteria provided, single submitter. Criteria: Invitae Variant Classification Sherloc (09022015). Collection method: clinical testing. Allele origin: germline.
Comment: This sequence change replaces threonine, which is neutral and polar, with isoleucine, which is neutral and non-polar, at codon 1721 of the CACNA1C protein (p.Thr1721Ile). This variant is not present in population databases (gnomAD no frequency). This variant has not been reported in the literature in individuals affected with CACNA1C-related conditions. ClinVar contains an entry for this variant (Variation ID: 2193485). Invitae Evidence Modeling of protein sequence and biophysical properties (such as structural, functional, and spatial information, amino acid conservation, physicochemical variation, residue mobility, and thermodynamic stability) has been performed for this missense variant. However, the output from this modeling did not meet the statistical confidence thresholds required to predict the impact of this variant on CACNA1C protein function. In summary, the available evidence is currently insufficient to determine the role of this variant in disease. Therefore, it has been classified as a Variant of Uncertain Significance.